The following is an entry in ClinVar:

NM_004863.4(SPTLC2):c.1144G>C (p.Gly382Arg)

Gene: SPTLC2 (serine palmitoyltransferase long chain base subunit 2; minus strand). Cytogenetic location: 14q24.3.
Variant type: single nucleotide variant.
Coding change: c.1144G>C on transcript NM_004863.4 (MANE Select); coding-DNA position 1144, G replaced by C.
Protein change: p.Gly382Arg; replaces glycine 382 with arginine.
Molecular consequence: missense variant.
Genome position (GRCh38, 1-based): chr14:77,555,332, C>G on the plus strand (G>C on the coding strand, the complement: SPTLC2 is on the minus strand). VCF-style: chr14-77555332-C-G. GRCh37 (hg19) VCF-style: chr14-78021675-C-G.
Other names: short protein forms G382R.
Identifiers: ClinVar variation 857284 (VCV000857284.9), dbSNP rs2079576918, ClinGen allele CA390708456.

ClinVar aggregate classification (germline): Likely pathogenic (1 of 4 stars; one submission).

Conditions:
Neuropathy, hereditary sensory and autonomic, type 1C. Also called: HSAN IC; HSN IC. Identifiers: Orphanet 36386, MedGen C3150896, MONDO:0013337, OMIM 613640.

Submission:

Labcorp Genetics (formerly Invitae), Labcorp
Classification: Likely pathogenic for Neuropathy, hereditary sensory and autonomic, type 1C. Last evaluated: 2025-08-18. Review status: criteria provided, single submitter. Criteria: Invitae Variant Classification Sherloc (09022015). Collection method: clinical testing. Allele origin: germline.
Comment: This sequence change replaces glycine, which is neutral and non-polar, with arginine, which is basic and polar, at codon 382 of the SPTLC2 protein (p.Gly382Arg). This variant is not present in population databases (gnomAD no frequency). This missense change has been observed in individual(s) with inherited peripheral neuropathy (PMID: 27549087). ClinVar contains an entry for this variant (Variation ID: 857284). Invitae Evidence Modeling of protein sequence and biophysical properties (such as structural, functional, and spatial information, amino acid conservation, physicochemical variation, residue mobility, and thermodynamic stability) indicates that this missense variant is expected to disrupt SPTLC2 protein function with a positive predictive value of 95%. This variant disrupts the p.Gly382 amino acid residue in SPTLC2. Other variant(s) that disrupt this residue have been determined to be pathogenic (PMID: 20920666, 24175284, 26681808). This suggests that this residue is clinically significant, and that variants that disrupt this residue are likely to be disease-causing. In summary, the currently available evidence indicates that the variant is pathogenic, but additional data are needed to prove that conclusively. Therefore, this variant has been classified as Likely Pathogenic.

Literature cited by the submitters: PubMed 27549087; PubMed 20920666; PubMed 24175284; PubMed 26681808.